The following is an entry in ClinVar:

ClinVar aggregate classification (germline): Uncertain significance. Review status: criteria provided, multiple submitters, no conflicts (2 of 4 stars). 4 submissions from 4 submitters: Uncertain significance (4). Last evaluated 2025-09-26.

Conditions:
Hereditary cancer-predisposing syndrome. Also called: Hereditary Cancer Syndrome; Hereditary neoplastic syndrome; Tumor predisposition; Neoplastic Syndromes, Hereditary. Identifiers: Orphanet 140162, MedGen C0027672, MeSH D009386, MONDO:0015356.
POLE Exonuclease Domain Mutation. Identifiers: MedGen C4330920.

Allele frequency attached by ClinVar (database versions not stated): gnomAD below 0.00001 and 0.00001; gnomAD exomes 0.00003 and 0.00006; ExAC 0.00008.
gnomAD v4.1: 40 of 1,610,554 alleles (0.0025%); highest among the groups gnomAD compares: South Asian, 0.042%; 2 homozygotes.

Submissions (4):

Ambry Genetics
Classification: Uncertain significance for Hereditary cancer-predisposing syndrome. Last evaluated: 2025-09-26. Review status: criteria provided, single submitter. Criteria: Ambry Variant Classification Scheme 2023. Collection method: clinical testing. Allele origin: germline.
Comment: The p.E2253Q variant (also known as c.6757G>C), located in coding exon 49 of the POLE gene, results from a G to C substitution at nucleotide position 6757. The glutamic acid at codon 2253 is replaced by glutamine, an amino acid with highly similar properties. This amino acid position is conserved. In addition, the in silico prediction for this alteration is inconclusive. Since supporting evidence is limited at this time, the clinical significance of this alteration remains unclear.

Labcorp Genetics (formerly Invitae), Labcorp
Classification: Uncertain significance. Last evaluated: 2025-07-03. Review status: criteria provided, single submitter. Criteria: Invitae Variant Classification Sherloc (09022015). Collection method: clinical testing. Allele origin: germline.
Comment: This sequence change replaces glutamic acid, which is acidic and polar, with glutamine, which is neutral and polar, at codon 2253 of the POLE protein (p.Glu2253Gln). This variant is present in population databases (rs376140352, gnomAD 0.05%). This variant has not been reported in the literature in individuals affected with POLE-related conditions. ClinVar contains an entry for this variant (Variation ID: 548550). Invitae Evidence Modeling of protein sequence and biophysical properties (such as structural, functional, and spatial information, amino acid conservation, physicochemical variation, residue mobility, and thermodynamic stability) indicates that this missense variant is not expected to disrupt POLE protein function with a negative predictive value of 80%. In summary, the available evidence is currently insufficient to determine the role of this variant in disease. Therefore, it has been classified as a Variant of Uncertain Significance.

GeneDx
Classification: Uncertain significance. Last evaluated: 2022-09-27. Review status: criteria provided, single submitter. Criteria: GeneDx Variant Classification Process June 2021. Collection method: clinical testing. Allele origin: germline. Affected: yes.
Comment: In silico analysis supports that this missense variant does not alter protein structure/function; Has not been previously published as pathogenic or benign to our knowledge; This variant is associated with the following publications: (PMID: 29056344)

Genomic Research Center, Shahid Beheshti University of Medical Sciences
Classification: Uncertain significance for POLE Exonuclease Domain Mutation. Last evaluated: 2018-03-05. Review status: criteria provided, single submitter. Criteria: ACMG Guidelines, 2015. Collection method: clinical testing. Allele origin: inherited. Affected: no. Observed: 1 variant allele.

NM_006231.4(POLE):c.6757G>C (p.Glu2253Gln)

Gene: POLE (DNA polymerase epsilon, catalytic subunit; minus strand). Cytogenetic location: 12q24.33.
Variant type: single nucleotide variant.
Coding change: c.6757G>C on transcript NM_006231.4 (MANE Select); coding-DNA position 6757, G replaced by C.
Protein change: p.Glu2253Gln; replaces glutamic acid 2253 with glutamine.
Molecular consequence: missense variant.
Genome position (GRCh38, 1-based): chr12:132,624,801, C>G on the plus strand (G>C on the coding strand, the complement: POLE is on the minus strand). VCF-style: chr12-132624801-C-G. GRCh37 (hg19) VCF-style: chr12-133201387-C-G.
Other names: c.6757G>C (NM_006231.2); short protein forms E2253Q.
Identifiers: ClinVar variation 548550 (VCV000548550.18), dbSNP rs376140352, ClinGen allele CA6891969.